The following is an entry in ClinVar:

NM_001080467.3(MYO5B):c.4030G>A (p.Glu1344Lys)

Gene: MYO5B (myosin VB; minus strand). Cytogenetic location: 18q21.1.
Variant type: single nucleotide variant.
Coding change: c.4030G>A on transcript NM_001080467.3 (MANE Select); coding-DNA position 4030, G replaced by A.
Protein change: p.Glu1344Lys; replaces glutamic acid 1344 with lysine.
Molecular consequence: missense variant.
Genome position (GRCh38, 1-based): chr18:49,853,640, C>T on the plus strand (G>A on the coding strand, the complement: MYO5B is on the minus strand). VCF-style: chr18-49853640-C-T. GRCh37 (hg19) VCF-style: chr18-47380010-C-T.
Other names: c.4030G>A (NM_001080467.2); short protein forms E1344K.
Identifiers: ClinVar variation 1479377 (VCV001479377.9), dbSNP rs2024227992, ClinGen allele CA402426939.

ClinVar aggregate classification (germline): Uncertain significance. Review status: criteria provided, multiple submitters, no conflicts (2 of 4 stars). 2 submissions from 2 submitters: Uncertain significance (2). Last evaluated 2025-11-26.

Conditions:
Inborn genetic diseases. Identifiers: MedGen C0950123, MeSH D030342.

Allele frequency attached by ClinVar (database versions not stated): gnomAD exomes below 0.00001; TOPMed 0.00005.
gnomAD v4.1: 3 of 1,612,680 alleles (0.00019%); highest among the groups gnomAD compares: Admixed American, 0.0017%; no homozygotes.

Submissions (2):

Ambry Genetics
Classification: Uncertain significance for Inborn genetic diseases. Last evaluated: 2025-11-26. Review status: criteria provided, single submitter. Criteria: Ambry Variant Classification Scheme 2023. Collection method: clinical testing. Allele origin: germline.

Labcorp Genetics (formerly Invitae), Labcorp
Classification: Uncertain significance. Last evaluated: 2024-05-22. Review status: criteria provided, single submitter. Criteria: Invitae Variant Classification Sherloc (09022015). Collection method: clinical testing. Allele origin: germline.
Comment: This sequence change replaces glutamic acid, which is acidic and polar, with lysine, which is basic and polar, at codon 1344 of the MYO5B protein (p.Glu1344Lys). This variant is not present in population databases (gnomAD no frequency). This variant has not been reported in the literature in individuals affected with MYO5B-related conditions. ClinVar contains an entry for this variant (Variation ID: 1479377). Advanced modeling of protein sequence and biophysical properties (such as structural, functional, and spatial information, amino acid conservation, physicochemical variation, residue mobility, and thermodynamic stability) performed at Invitae indicates that this missense variant is not expected to disrupt MYO5B protein function with a negative predictive value of 80%. In summary, the available evidence is currently insufficient to determine the role of this variant in disease. Therefore, it has been classified as a Variant of Uncertain Significance.